The following is an entry in ClinVar:

ClinVar aggregate classification (germline): Uncertain significance. Review status: criteria provided, multiple submitters, no conflicts (2 of 4 stars). 2 submissions from 2 submitters: Uncertain significance (2). Last evaluated 2025-03-26.

Conditions:
Inborn genetic diseases. Identifiers: MedGen C0950123, MeSH D030342.

Allele frequency attached by ClinVar (database versions not stated): ExAC 0.00001; gnomAD 0.00001; TOPMed 0.00002.
gnomAD v4.1: 38 of 1,610,668 alleles (0.0024%); highest among the groups gnomAD compares: South Asian, 0.0033%; no homozygotes.

Submissions (2):

Ambry Genetics
Classification: Uncertain significance for Inborn genetic diseases. Last evaluated: 2025-03-26. Review status: criteria provided, single submitter. Criteria: Ambry Variant Classification Scheme 2023. Collection method: clinical testing. Allele origin: germline.

Labcorp Genetics (formerly Invitae), Labcorp
Classification: Uncertain significance. Last evaluated: 2024-04-27. Review status: criteria provided, single submitter. Criteria: Invitae Variant Classification Sherloc (09022015). Collection method: clinical testing. Allele origin: germline.
Comment: This sequence change replaces proline, which is neutral and non-polar, with leucine, which is neutral and non-polar, at codon 1865 of the DCHS1 protein (p.Pro1865Leu). The frequency data for this variant in the population databases is considered unreliable, as metrics indicate poor data quality at this position in the gnomAD database. This variant has not been reported in the literature in individuals affected with DCHS1-related conditions. ClinVar contains an entry for this variant (Variation ID: 1953857). Advanced modeling of protein sequence and biophysical properties (such as structural, functional, and spatial information, amino acid conservation, physicochemical variation, residue mobility, and thermodynamic stability) performed at Invitae indicates that this missense variant is not expected to disrupt DCHS1 protein function with a negative predictive value of 80%. In summary, the available evidence is currently insufficient to determine the role of this variant in disease. Therefore, it has been classified as a Variant of Uncertain Significance.

NM_003737.4(DCHS1):c.5594C>T (p.Pro1865Leu)

Gene: DCHS1 (dachsous cadherin-related 1; minus strand). Cytogenetic location: 11p15.4.
Variant type: single nucleotide variant.
Coding change: c.5594C>T on transcript NM_003737.4 (MANE Select); coding-DNA position 5594, C replaced by T.
Protein change: p.Pro1865Leu; replaces proline 1865 with leucine.
Molecular consequence: missense variant.
Genome position (GRCh38, 1-based): chr11:6,627,445, G>A on the plus strand (C>T on the coding strand, the complement: DCHS1 is on the minus strand). VCF-style: chr11-6627445-G-A. GRCh37 (hg19) VCF-style: chr11-6648676-G-A.
Other names: c.5594C>T (NM_003737.2); short protein forms P1865L.
Identifiers: ClinVar variation 1953857 (VCV001953857.6), dbSNP rs772410650, ClinGen allele CA5860058.
Genomic context (GRCh38, chr11:6,627,445, plus strand): 5'-CCAGCATCAGGGTCATGAGCCTGTAGCTGCAGCAGCAGGGTCCCTGCAGGCACATCCTCC[G>A]GCACCTCCACCGAGTAGGCAGGCACAGGAAAGGCTGGAGCATGGTCATTGGCATCCAGCA-3'
Protein context (NP_003728.1, residues 1855-1875): FPVPAYSVEV[Pro1865Leu]EDVPAGTLLL